The following is an entry in ClinVar:

NM_012471.3(TRPC5):c.1637C>A (p.Ala546Asp)

Gene: TRPC5 (transient receptor potential cation channel subfamily C member 5; minus strand). Cytogenetic location: Xq23.
Variant type: single nucleotide variant.
Coding change: c.1637C>A on transcript NM_012471.3 (MANE Select); coding-DNA position 1637, C replaced by A.
Protein change: p.Ala546Asp; replaces alanine 546 with aspartic acid.
Molecular consequence: missense variant.
Genome position (GRCh38, 1-based): chrX:111,847,177, G>T on the plus strand (C>A on the coding strand, the complement: TRPC5 is on the minus strand). VCF-style: chrX-111847177-G-T. GRCh37 (hg19) VCF-style: chrX-111090405-G-T.
Other names: short protein forms A546D.
Identifiers: ClinVar variation 3045566 (VCV003045566.2), dbSNP rs139935364, ClinGen allele CA10494283.

ClinVar aggregate classification (germline): Likely benign (0 of 4 stars; one submission).

Conditions:
TRPC5-related disorder. Also called: TRPC5-related condition.

Allele frequency attached by ClinVar (database versions not stated): gnomAD exomes 0.00009; ExAC 0.00043; 1000 Genomes Project 30x 0.00062; 1000 Genomes Project 0.00079; gnomAD 0.00099; TOPMed 0.00107; ESP Exome Variant Server 0.00161.
gnomAD v4.1: 214 of 1,209,984 alleles (0.018%); highest among the groups gnomAD compares: African/African-American, 0.32%; no homozygotes.

Submission:

PreventionGenetics, part of Exact Sciences
Classification: Likely benign for TRPC5-related condition. Last evaluated: 2021-05-19. Review status: no assertion criteria provided. Collection method: clinical testing. Allele origin: germline.
Comment: This variant is classified as likely benign based on ACMG/AMP sequence variant interpretation guidelines (Richards et al. 2015 PMID: 25741868, with internal and published modifications).